The following is an entry in ClinVar:

ClinVar aggregate classification (germline): Conflicting classifications of pathogenicity. Review status: criteria provided, conflicting classifications (1 of 4 stars). 13 submissions from 13 submitters: Uncertain significance (6); Likely benign (4). 3 of the submissions do not count toward it. Last evaluated 2026-01-05.

Conditions:
APC-related disorder. Also called: APC-related condition.
Classic or attenuated familial adenomatous polyposis. Identifiers: MedGen CN372698, MONDO:0021057.
Hereditary cancer-predisposing syndrome. Also called: Hereditary neoplastic syndrome; Tumor predisposition; Hereditary Cancer Syndrome; Neoplastic Syndromes, Hereditary. Identifiers: Orphanet 140162, MedGen C0027672, MeSH D009386, MONDO:0015356.
Familial adenomatous polyposis 1 (FAP1). Also called: POLYPOSIS, ADENOMATOUS INTESTINAL; FAMILIAL ADENOMATOUS POLYPOSIS 1, ATTENUATED. Identifiers: MedGen C2713442, MONDO:0021056, OMIM 175100. Disease mechanism: loss of function.
Carcinoma of colon (CRC). Also called: Colonic carcinoma; Colon carcinoma. Identifiers: MedGen C0699790, MONDO:0002032.

Allele frequency attached by ClinVar (database versions not stated): TOPMed 0.00005; 1000 Genomes Project 0.00040; 1000 Genomes Project 30x 0.00047; gnomAD 0.00006 and 0.00007; gnomAD exomes 0.00005 and 0.00008; ExAC 0.00004.
gnomAD v4.1: 125 of 1,613,928 alleles (0.0077%); highest among the groups gnomAD compares: Non-Finnish European, 0.01%; no homozygotes.

Submissions (13):

Labcorp Genetics (formerly Invitae), Labcorp
Classification: Likely benign for Familial adenomatous polyposis 1. Last evaluated: 2026-01-05. Review status: criteria provided, single submitter. Criteria: Invitae Variant Classification Sherloc (09022015). Collection method: clinical testing. Allele origin: germline.

Color Diagnostics, LLC DBA Color Health
Classification: Likely benign for Hereditary cancer-predisposing syndrome. Last evaluated: 2025-11-19. Review status: criteria provided, single submitter. Criteria: ACMG Guidelines, 2015. Collection method: clinical testing. Allele origin: germline.

GeneDx
Classification: Uncertain significance. Last evaluated: 2025-03-14. Review status: criteria provided, single submitter. Criteria: GeneDx Variant Classification Process June 2021. Collection method: clinical testing. Allele origin: germline. Affected: yes.
Comment: In silico analysis indicates that this missense variant does not alter protein structure/function; This variant is associated with the following publications: (PMID: 25980754, 28135145, 35534704, 37937776)

Women's Health and Genetics/Laboratory Corporation of America, LabCorp
Classification: Likely benign. Last evaluated: 2024-07-29. Review status: criteria provided, single submitter. Criteria: LabCorp Variant Classification Summary - May 2015. Collection method: clinical testing. Allele origin: germline.
Comment: Variant summary: APC c.7468G>A (p.Asp2490Asn) results in a conservative amino acid change located in the Adenomatous polyposis coli protein basic domain (IPR009234) of the encoded protein sequence. Three of five in-silico tools predict a damaging effect of the variant on protein function. The variant allele was found at a frequency of 5.2e-05 in 251252 control chromosomes, predominantly at a frequency of 0.00011 within the Non-Finnish European subpopulation in the gnomAD database. The observed variant frequency within Non-Finnish European control individuals in the gnomAD database is approximately 1.54 fold of the estimated maximal expected allele frequency for a pathogenic variant in APC causing Familial Adenomatous Polyposis phenotype (7.1e-05). c.7468G>A has been reported in the literature in individuals affected with suspected Lynch syndrome or hereditary cancer (e.g. Yurgelun_2015, Brady_2022, de Oliveira_2022). These report(s) do not provide unequivocal conclusions about association of the variant with Familial Adenomatous Polyposis. To our knowledge, no experimental evidence demonstrating an impact on protein function has been reported. The following publications have been ascertained in the context of this evaluation (PMID: 35467778, 25980754, 28135145, 35534704). ClinVar contains an entry for this variant (Variation ID: 140800). Based on the evidence outlined above, the variant was classified as likely benign.

All of Us Research Program, National Institutes of Health
Classification: Uncertain significance for Classic or attenuated familial adenomatous polyposis. Last evaluated: 2024-05-14. Review status: criteria provided, single submitter. Criteria: ACMG Guidelines, 2015. Collection method: clinical testing. Allele origin: germline. Inheritance: Autosomal dominant inheritance. Observed: 10 variant alleles, 10 heterozygotes.
Comment: This missense variant replaces aspartic acid with asparagine at codon 2490 of the APC protein. Computational prediction suggests that this variant may not impact protein structure and function (internally defined REVEL score threshold <= 0.5, PMID: 27666373). To our knowledge, functional studies have not been reported for this variant. This variant has been reported in an individual affected with colorectal cancer who also carried a pathogenic MLH1 c.1989+3dupC variant that could explain the observed cancer (PMID: 25980754, 28135145). This variant has been identified in 14/282640 chromosomes in the general population by the Genome Aggregation Database (gnomAD). The available evidence is insufficient to determine the role of this variant in disease conclusively. Therefore, this variant is classified as a Variant of Uncertain Significance.

This study involves interpretation of variants in research participants for the purpose of population health screening. Participant phenotype was not available at the time of variant classification. Additional details can be found in publication PMID: 35346344, PMCID: PMC8962531

Baylor Genetics
Classification: Uncertain significance for Familial adenomatous polyposis 1. Last evaluated: 2024-03-19. Review status: criteria provided, single submitter. Criteria: ACMG Guidelines, 2015. Collection method: clinical testing. Allele origin: unknown.

Myriad Genetics, Inc.
Classification: Uncertain significance for Familial adenomatous polyposis 1. Last evaluated: 2023-02-21. Review status: criteria provided, single submitter. Criteria: Myriad Autosomal Dominant, Autosomal Recessive and X-Linked Classification Criteria (2023). Collection method: clinical testing. Allele origin: unknown.
Comment: This variant is classified as a variant of uncertain significance as there is insufficient evidence to determine its impact on protein function and/or cancer risk.

Sema4
Classification: Uncertain significance for Hereditary cancer-predisposing syndrome. Last evaluated: 2021-11-10. Review status: criteria provided, single submitter. Criteria: Sema4 Curation Guidelines. Collection method: curation. Allele origin: germline.
Comment: The APC c.7468G>A (p.D2490N) variant has been reported in at least one individual with colorectal cancer and at least one individual undergoing Lynch syndrome testing (PMID: 25980754, 28135145). It was observed in 13/129016 chromosomes of the Non-Finnish European population, with no homozygotes, in the large and broad cohorts of the Genome Aggregation Database (PMID: 32461654). The variant has been reported in ClinVar (Variation ID:140800). Functional studies have not been performed, and in silico predictions of the variant's effect on protein function are inconclusive. The evidence is insufficient to meet ACMG/AMP criteria for classifying the variant as benign or pathogenic. Thus, the clinical significance of this variant is currently uncertain.

Ambry Genetics
Classification: Likely benign for Hereditary cancer-predisposing syndrome. Last evaluated: 2021-06-16. Review status: criteria provided, single submitter. Criteria: Ambry Variant Classification Scheme 2023. Collection method: clinical testing. Allele origin: germline.

Quest Diagnostics Nichols Institute San Juan Capistrano
Classification: Uncertain significance. Last evaluated: 2019-07-24. Review status: criteria provided, single submitter. Criteria: Quest Diagnostics criteria. Collection method: clinical testing. Allele origin: germline.

PreventionGenetics, part of Exact Sciences
Classification: Uncertain significance for APC-related condition. Last evaluated: 2024-08-14. Review status: no assertion criteria provided. Collection method: clinical testing. Allele origin: germline. Not counted in ClinVar's aggregate classification.
Comment: The APC c.7468G>A variant is predicted to result in the amino acid substitution p.Asp2490Asn. This variant has been reported as a variant of uncertain significance in an individual with colorectal cancer and another individual undergoing Lynch syndrome panel testing (Supplementary Table 2, Yurgelun et al. 2015. PubMed ID: 25980754; Table A4, Yurgelun et al. 2017. PubMed ID: 28135145). This variant is reported in 0.010% of alleles in individuals of European (Non-Finnish) descent in gnomAD and as uncertain in the ClinVar database. At this time, the clinical significance of this variant is uncertain due to the absence of conclusive functional and genetic evidence.

Counsyl
Classification: Uncertain significance for Familial adenomatous polyposis 1. Last evaluated: 2015-12-22. Review status: no assertion criteria provided. Collection method: clinical testing. Allele origin: unknown. Not counted in ClinVar's aggregate classification.

Department of Pathology and Laboratory Medicine, Sinai Health System
Classification: Uncertain significance for Carcinoma of colon. Review status: no assertion criteria provided. Collection method: clinical testing. Allele origin: unknown. Affected: yes. Study: The Canadian Open Genetics Repository (COGR). Not counted in ClinVar's aggregate classification.
Comment: The APC, p.Asp2490Asn variant was identified in dbSNP (ID: rs538230198) as â€šÃ„ÃºWith uncertain significance alleleâ€šÃ„Ã¹, Clinvitae database (uncertain significance), and ClinVar database (uncertain significance, Ambry Genetics). The variant was not found in the COSMIC, InSiGHT Colon Cancer Gene Variant Database (LOVD), Zhejiang Colon Cancer Database (LOVD), GeneInsight - COGR database, or UMD. This variant was identified in the 1000 Genomes Project in 2 of 5000 chromosomes (frequency: 0.0004) and in the Exome Aggregation Consortium database (March 14 2016) in 5 of 66714 chromosomes (frequency: 0.0007) from a population of European (Non-Finnish) individuals, although this low number of observations and low frequency is not substantive enough to determine the prevalence of the variant in the general population and its relationship to disease. The p.Asp2490 residue is conserved in mammals and computational analyses (PolyPhen-2, SIFT, AlignGVGD, BLOSUM, MutationTaster) provide inconsistent predictions regarding the impact to the protein; this information is not very predictive of pathogenicity. The variant occurs outside of the splicing consensus sequence and in silico or computational prediction software programs (SpliceSiteFinder, MaxEntScan, NNSPLICE, GeneSplicer, HumanSpliceFinder) do not predict a difference in splicing. In summary, based on the above information, the clinical significance of this variant cannot be determined with certainty at this time. This variant is classified as a variant of uncertain significance.

Literature cited by the submitters: PubMed 25980754 (cited by 6 submitters); PubMed 28135145 (cited by 4 submitters); PubMed 35467778 (cited by Women's Health and Genetics/Laboratory Corporation of America, LabCorp); PubMed 35534704 (cited by Women's Health and Genetics/Laboratory Corporation of America, LabCorp).

NM_000038.6(APC):c.7468G>A (p.Asp2490Asn)

Gene: APC (APC regulator of Wnt signaling pathway; plus strand). Cytogenetic location: 5q22.2.
Variant type: single nucleotide variant.
Coding change: c.7468G>A on transcript NM_000038.6 (MANE Select); coding-DNA position 7468, G replaced by A.
Protein change: p.Asp2490Asn; replaces aspartic acid 2490 with asparagine.
Molecular consequence: missense variant.
Genome position (GRCh38, 1-based): chr5:112,843,062, G>A. VCF-style: chr5-112843062-G-A. GRCh37 (hg19) VCF-style: chr5-112178759-G-A.
Other names: c.7468G>A, p.Asp2490Asn (NM_001127510.3, NM_001354895.2); c.7414G>A, p.Asp2472Asn (NM_001127511.3); c.7522G>A, p.Asp2508Asn (NM_001354896.2); c.7498G>A, p.Asp2500Asn (NM_001354897.2); c.7393G>A, p.Asp2465Asn (NM_001354898.2); c.7384G>A, p.Asp2462Asn (NM_001354899.2); c.7345G>A, p.Asp2449Asn (NM_001354900.2); c.7291G>A, p.Asp2431Asn (NM_001354901.2); and 5 more; short protein forms D2472N, D2490N, D2389N, D2465N, D2462N, D2500N, D2508N, D2207N.
Identifiers: ClinVar variation 140800 (VCV000140800.40), dbSNP rs538230198, ClinGen allele CA013697.